The following is an entry in ClinVar:

NM_020066.5(FMN2):c.2928T>A (p.Pro976=)

Gene: FMN2 (formin 2; plus strand). Cytogenetic location: 1q43.
Variant type: single nucleotide variant.
Coding change: c.2928T>A on transcript NM_020066.5 (MANE Select); coding-DNA position 2928, T replaced by A.
Protein change: p.Pro976=; no amino-acid change (proline 976 retained).
Molecular consequence: synonymous variant. On other transcripts: intron variant (1).
Genome position (GRCh38, 1-based): chr1:240,207,740, T>A. VCF-style: chr1-240207740-T-A. GRCh37 (hg19) VCF-style: chr1-240371040-T-A.
Other names: c.2940T>A, p.Pro980= (NM_001305424.2); c.1986+19478T>A (NM_001348094.2).
Identifiers: ClinVar variation 3032450 (VCV003032450.1), dbSNP rs200418654, ClinGen allele CA424385431.

ClinVar aggregate classification (germline): Likely benign (1 of 4 stars; one submission).

Conditions:
FMN2-related disorder. Also called: FMN2-related condition.

Submission:

PreventionGenetics, part of Exact Sciences
Classification: Likely benign for FMN2-related condition. Last evaluated: 2020-10-14. Review status: criteria provided, single submitter. Criteria: ACMG Guidelines, 2015. Collection method: clinical testing. Allele origin: germline.
Comment: This variant is classified as likely benign based on ACMG/AMP sequence variant interpretation guidelines (Richards et al. 2015 PMID: 25741868, with internal and published modifications).